The following is an entry in ClinVar:

NM_002979.5(SCP2):c.1469-10T>C

Gene: SCP2 (sterol carrier protein 2; plus strand). Cytogenetic location: 1p32.3.
Variant type: single nucleotide variant.
Coding change: c.1469-10T>C on transcript NM_002979.5 (MANE Select); 10 bases into the intron before coding-DNA position 1469, T replaced by C.
Molecular consequence: intron variant.
Genome position (GRCh38, 1-based): chr1:53,047,848, T>C. VCF-style: chr1-53047848-T-C. GRCh37 (hg19) VCF-style: chr1-53513520-T-C.
Other names: c.1337-10T>C (NM_001193600.2); c.1397-10T>C (NM_001193599.2); c.1226-10T>C (NM_001193617.2); c.257-10T>C (NM_001007099.3); c.127-10T>C (NM_001007250.3); c.248-10T>C (NM_001007100.3).
Identifiers: ClinVar variation 500472 (VCV000500472.17), dbSNP rs761545816, ClinGen allele CA857431.
Genomic context (GRCh38, chr1:53,047,848, plus strand): 5'-CTTGACAAAAATGTATATGTGAAACTGAACACCTCCTATTCTCCTTCCTTCTCCTGTGTA[T>C]CTGTTTTAGATAAGAAGGCTGACTGCACAATCACAATGGCTGACTCAGACTTCCTGGCTT-3'

ClinVar aggregate classification (germline): Conflicting classifications of pathogenicity. Review status: criteria provided, conflicting classifications (1 of 4 stars). 3 submissions from 3 submitters: Uncertain significance (1); Benign (1). 1 of the submissions does not count toward it. Last evaluated 2026-01-24.

Conditions:
SCP2-related disorder. Also called: SCP2-related condition.

Allele frequency attached by ClinVar (database versions not stated): gnomAD exomes 0.00011 and 0.00056; gnomAD 0.00012 and 0.00013; TOPMed 0.00029; ExAC 0.00040.
gnomAD v4.1: 176 of 1,593,786 alleles (0.011%); highest among the groups gnomAD compares: Admixed American, 0.29%; no homozygotes.

Submissions (3):

Labcorp Genetics (formerly Invitae), Labcorp
Classification: Benign. Last evaluated: 2026-01-24. Review status: criteria provided, single submitter. Criteria: Invitae Variant Classification Sherloc (09022015). Collection method: clinical testing. Allele origin: germline.

Eurofins Ntd Llc (ga)
Classification: Uncertain significance. Last evaluated: 2018-03-21. Review status: criteria provided, single submitter. Criteria: EGL ClinVar v180209 classification definitions. Collection method: clinical testing. Allele origin: germline. Observed: 4 variant alleles, 4 heterozygotes.

PreventionGenetics, part of Exact Sciences
Classification: Likely benign for SCP2-related condition. Last evaluated: 2022-02-07. Review status: no assertion criteria provided. Collection method: clinical testing. Allele origin: germline. Not counted in ClinVar's aggregate classification.
Comment: This variant is classified as likely benign based on ACMG/AMP sequence variant interpretation guidelines (Richards et al. 2015 PMID: 25741868, with internal and published modifications).